The following is an entry in ClinVar:

ClinVar aggregate classification (germline): Uncertain significance. Review status: criteria provided, multiple submitters, no conflicts (2 of 4 stars). 2 submissions from 2 submitters: Uncertain significance (2). Last evaluated 2026-03-04.

Conditions:
Hereditary cancer-predisposing syndrome. Also called: Hereditary Cancer Syndrome; Neoplastic Syndromes, Hereditary; Tumor predisposition; Hereditary neoplastic syndrome. Identifiers: Orphanet 140162, MedGen C0027672, MeSH D009386, MONDO:0015356.
Fanconi anemia complementation group J. Also called: BRIP1-Related Fanconi Anemia. Identifiers: Orphanet 84, MedGen C1836860, MONDO:0012187, OMIM 609054.
Familial cancer of breast. Also called: BREAST CANCER, FAMILIAL; hereditary breast carcinoma; Hereditary breast cancer. Identifiers: Orphanet 227535, MedGen C0346153, MONDO:0016419, OMIM 114480. Disease mechanism: loss of function.

Submissions (2):

Ambry Genetics
Classification: Uncertain significance for Hereditary cancer-predisposing syndrome. Last evaluated: 2026-03-04. Review status: criteria provided, single submitter. Criteria: Ambry Variant Classification Scheme 2023. Collection method: clinical testing. Allele origin: germline.
Comment: The p.S38R variant (also known as c.114C>A), located in coding exon 2 of the BRIP1 gene, results from a C to A substitution at nucleotide position 114. The serine at codon 38 is replaced by arginine, an amino acid with dissimilar properties. This amino acid position is conserved. In addition, this alteration is predicted to be tolerated by in silico analysis. Based on the available evidence, the clinical significance of this variant remains unclear.

Labcorp Genetics (formerly Invitae), Labcorp
Classification: Uncertain significance for Familial cancer of breast; Fanconi anemia complementation group J. Last evaluated: 2023-01-24. Review status: criteria provided, single submitter. Criteria: Invitae Variant Classification Sherloc (09022015). Collection method: clinical testing. Allele origin: germline.
Comment: In summary, the available evidence is currently insufficient to determine the role of this variant in disease. Therefore, it has been classified as a Variant of Uncertain Significance. Advanced modeling of protein sequence and biophysical properties (such as structural, functional, and spatial information, amino acid conservation, physicochemical variation, residue mobility, and thermodynamic stability) performed at Invitae indicates that this missense variant is not expected to disrupt BRIP1 protein function. ClinVar contains an entry for this variant (Variation ID: 1009671). This variant has not been reported in the literature in individuals affected with BRIP1-related conditions. This variant is not present in population databases (gnomAD no frequency). This sequence change replaces serine, which is neutral and polar, with arginine, which is basic and polar, at codon 38 of the BRIP1 protein (p.Ser38Arg).

NM_032043.3(BRIP1):c.114C>A (p.Ser38Arg)

Gene: BRIP1 (BRCA1 interacting DNA helicase 1; minus strand). Cytogenetic location: 17q23.2.
Variant type: single nucleotide variant.
Coding change: c.114C>A on transcript NM_032043.3 (MANE Select); coding-DNA position 114, C replaced by A.
Protein change: p.Ser38Arg; replaces serine 38 with arginine.
Molecular consequence: missense variant.
Genome position (GRCh38, 1-based): chr17:61,859,887, G>T on the plus strand (C>A on the coding strand, the complement: BRIP1 is on the minus strand). VCF-style: chr17-61859887-G-T. GRCh37 (hg19) VCF-style: chr17-59937248-G-T.
Other names: c.114C>A (NM_032043.2); short protein forms S38R.
Identifiers: ClinVar variation 1009671 (VCV001009671.10), dbSNP rs2078951392, ClinGen allele CA400485845.